The following is an entry in ClinVar:

NM_001142800.2(EYS):c.8858del (p.Ser2953fs)

Genes: EYS (EGF-like photoreceptor maintenance factor; minus strand), PHF3 (PHD finger protein 3; plus strand). Cytogenetic location: 6q12.
Variant type: Deletion.
Coding change: c.8858del on transcript NM_001142800.2 (MANE Select); coding-DNA position 8858, one base deleted (C; older notation c.8858delC).
Protein change: p.Ser2953fs; shifts the reading frame from serine 2953.
Molecular consequence: frameshift variant. On other transcripts: 3 prime UTR variant (5).
Genome position (GRCh38, 1-based): chr6:63,721,173, G deleted on the plus strand (C on the coding strand, the reverse complement: EYS is on the minus strand). VCF-style (leftmost placement, unchanged base first): chr6-63721172-TG-T. GRCh37 (hg19) VCF-style: chr6-64431068-TG-T.
Other names: c.*7465del (NM_001290259.2, NM_001370348.2, NM_001370349.2 and 2 more transcripts); c.8921del, p.Ser2974fs (NM_001292009.2); short protein forms S2953fs, S2974fs.
Identifiers: ClinVar variation 1069800 (VCV001069800.9), dbSNP rs2149624499, ClinGen allele CA2499218431.

ClinVar aggregate classification (germline): Pathogenic (1 of 4 stars; one submission).

Submission:

Labcorp Genetics (formerly Invitae), Labcorp
Classification: Pathogenic. Last evaluated: 2020-08-08. Review status: criteria provided, single submitter. Criteria: Invitae Variant Classification Sherloc (09022015). Collection method: clinical testing. Allele origin: germline.
Comment: This sequence change results in a premature translational stop signal in the EYS gene (p.Ser2953Tyrfs*22). While this is not anticipated to result in nonsense mediated decay, it is expected to disrupt the last 170 amino acids of the EYS protein. This variant is not present in population databases (ExAC no frequency). This variant has not been reported in the literature in individuals with EYS-related conditions. This variant disrupts the C-terminus of the EYS protein. Other variant(s) that disrupt this region (p.Tyr3135*) have been determined to be pathogenic (PMID: 18976725). This suggests that variants that disrupt this region of the protein are likely to be causative of disease. For these reasons, this variant has been classified as Pathogenic.

Literature cited by the submitters: PubMed 18976725.